The following is an entry in ClinVar:

NM_001329943.3(KIAA0586):c.3089G>A (p.Gly1030Asp)

Gene: KIAA0586 (KIAA0586; plus strand). Cytogenetic location: 14q23.1.
Variant type: single nucleotide variant.
Coding change: c.3089G>A on transcript NM_001329943.3 (MANE Select); coding-DNA position 3089, G replaced by A.
Protein change: p.Gly1030Asp; replaces glycine 1030 with aspartic acid.
Molecular consequence: missense variant.
Genome position (GRCh38, 1-based): chr14:58,482,657, G>A. VCF-style: chr14-58482657-G-A. GRCh37 (hg19) VCF-style: chr14-58949375-G-A.
Other names: c.3248G>A, p.Gly1083Asp (NM_001244189.2); c.3044G>A, p.Gly1015Asp (NM_001244190.2); c.2834G>A, p.Gly945Asp (NM_001244191.2, NM_001329945.2, NM_001364700.1 and 1 more transcripts); c.2957G>A, p.Gly986Asp (NM_001244192.2); c.2669G>A, p.Gly890Asp (NM_001244193.2); c.3089G>A, p.Gly1030Asp (NM_001329944.2, NM_001329946.2, NM_001329947.2); c.2861G>A, p.Gly954Asp (NM_014749.5); short protein forms G1015D, G890D, G954D, G1030D, G1083D, G945D, G986D.
Identifiers: ClinVar variation 1505444 (VCV001505444.6), dbSNP rs2042116751, ClinGen allele CA389880037.
Genomic context (GRCh38, chr14:58,482,657, plus strand): 5'-ACGAAGCTCTTGCTGAGACCATTGCTGTCATGCTGGGTGACAGAGAAGCAAAGAAGCAAG[G>A]TCCTGTTGCTACAGGTGTTTCTGGGGATGCTTCAACAAATGAAACATATTTGCCGGTATG-3'
Protein context (NP_001316872.1, residues 1020-1040): MLGDREAKKQ[Gly1030Asp]PVATGVSGDA

ClinVar aggregate classification (germline): Uncertain significance (1 of 4 stars; one submission).

Conditions:
Joubert syndrome 23 (JBTS23). Identifiers: Orphanet 475, MedGen C4084822, MONDO:0014664, OMIM 616490.
Short-rib thoracic dysplasia 14 with polydactyly (SRTD14). Identifiers: Orphanet 397715, MedGen C4225286, MONDO:0014688, OMIM 616546.

Allele frequency attached by ClinVar (database versions not stated): gnomAD 0.00001.
gnomAD v4.1: 1 of 1,606,738 alleles (0.000062%); highest among the groups gnomAD compares: South Asian, 0.0011%; no homozygotes.

Submission:

Labcorp Genetics (formerly Invitae), Labcorp
Classification: Uncertain significance for Joubert syndrome 23; Short-rib thoracic dysplasia 14 with polydactyly. Last evaluated: 2022-07-25. Review status: criteria provided, single submitter. Criteria: Invitae Variant Classification Sherloc (09022015). Collection method: clinical testing. Allele origin: germline.
Comment: This sequence change replaces glycine, which is neutral and non-polar, with aspartic acid, which is acidic and polar, at codon 1083 of the KIAA0586 protein (p.Gly1083Asp). This variant is not present in population databases (gnomAD no frequency). This variant has not been reported in the literature in individuals affected with KIAA0586-related conditions. ClinVar contains an entry for this variant (Variation ID: 1505444). Algorithms developed to predict the effect of missense changes on protein structure and function output the following: SIFT: "Tolerated"; PolyPhen-2: "Benign"; Align-GVGD: "Class C0". The aspartic acid amino acid residue is found in multiple mammalian species, which suggests that this missense change does not adversely affect protein function. In summary, the available evidence is currently insufficient to determine the role of this variant in disease. Therefore, it has been classified as a Variant of Uncertain Significance.